The following is an entry in ClinVar:

NC_000019.10:g.(?_49181339)_(49181471_?)del

Gene: TRPM4 (transient receptor potential cation channel subfamily M member 4; plus strand). Cytogenetic location: 19q13.33.
Variant type: Deletion.
Identifiers: ClinVar variation 830659 (VCV000830659.5).

ClinVar aggregate classification (germline): Uncertain significance (1 of 4 stars; one submission).

Conditions:
Progressive familial heart block type IB (PFHB1B). Identifiers: Orphanet 871, MedGen C1970298, MONDO:0011474, OMIM 604559.

Submission:

Labcorp Genetics (formerly Invitae), Labcorp
Classification: Uncertain significance for Progressive familial heart block type IB. Last evaluated: 2019-08-15. Review status: criteria provided, single submitter. Criteria: Invitae Variant Classification Sherloc (09022015). Collection method: clinical testing. Allele origin: germline.
Comment: In summary, the available evidence is currently insufficient to determine the role of this variant in disease. Therefore, it has been classified as a Variant of Uncertain Significance. The current clinical and genetic evidence is not sufficient to establish whether loss-of-function variants in TRPM4 cause disease. This variant has not been reported in the literature in individuals with TRPM4-related conditions. This variant is an out-of-frame deletion of the genomic region encompassing exon 10 of the TRPM4 gene. This is expected to create a premature translational stop signal and result in an absent or disrupted protein product.